The following is an entry in ClinVar:

NM_002547.3(OPHN1):c.1139T>C (p.Met380Thr)

Gene: OPHN1 (oligophrenin 1; minus strand). Cytogenetic location: Xq12.
Variant type: single nucleotide variant.
Coding change: c.1139T>C on transcript NM_002547.3 (MANE Select); coding-DNA position 1139, T replaced by C.
Protein change: p.Met380Thr; replaces methionine 380 with threonine.
Molecular consequence: missense variant.
Genome position (GRCh38, 1-based): chrX:68,193,952, A>G on the plus strand (T>C on the coding strand, the complement: OPHN1 is on the minus strand). VCF-style: chrX-68193952-A-G. GRCh37 (hg19) VCF-style: chrX-67413794-A-G.
Other names: short protein forms M380T.
Identifiers: ClinVar variation 663708 (VCV000663708.12), dbSNP rs770608210, ClinGen allele CA10436964.

ClinVar aggregate classification (germline): Uncertain significance. Review status: criteria provided, multiple submitters, no conflicts (2 of 4 stars). 3 submissions from 3 submitters: Uncertain significance (3). Last evaluated 2026-06-04.

Conditions:
Intellectual developmental disorder, X-linked, syndromic, Billuart type. Also called: MENTAL RETARDATION, X-LINKED 60; X-linked intellectual disability-cerebellar hypoplasia syndrome. Identifiers: Orphanet 137831, MedGen C1845366, MONDO:0010337, OMIM 300486.
Inborn genetic diseases. Identifiers: MedGen C0950123, MeSH D030342.

Allele frequency attached by ClinVar (database versions not stated): TOPMed below 0.00001; ExAC 0.00001; gnomAD exomes below 0.00001 and 0.00001.

Submissions (3):

Ambry Genetics
Classification: Uncertain significance for Inborn genetic diseases. Last evaluated: 2026-06-04. Review status: criteria provided, single submitter. Criteria: Ambry Variant Classification Scheme 2023. Collection method: clinical testing. Allele origin: germline.
Comment: The c.1139T>C (p.M380T) alteration is located in exon 14 (coding exon 13) of the OPHN1 gene. This alteration results from a T to C substitution at nucleotide position 1139, causing the methionine (M) at amino acid position 380 to be replaced by a threonine (T). Based on data from gnomAD, the C allele has an overall frequency of <0.001% (1/182879) total alleles studied. The highest observed frequency was 0.008% (1/13153) of African alleles. Based on insufficient or conflicting evidence, the clinical significance of this alteration remains unclear.

Dubai Health Genomic Medicine Center, Dubai Health
Classification: Uncertain significance for Intellectual developmental disorder, X-linked, syndromic, Billuart type. Last evaluated: 2020-07-21. Review status: criteria provided, single submitter. Criteria: ACMG Guidelines, 2015. Collection method: clinical testing. Allele origin: germline. Affected: yes.

Labcorp Genetics (formerly Invitae), Labcorp
Classification: Uncertain significance. Last evaluated: 2018-11-21. Review status: criteria provided, single submitter. Criteria: Invitae Variant Classification Sherloc (09022015). Collection method: clinical testing. Allele origin: germline.
Comment: In summary, the available evidence is currently insufficient to determine the role of this variant in disease. Therefore, it has been classified as a Variant of Uncertain Significance. Algorithms developed to predict the effect of missense changes on protein structure and function are either unavailable or do not agree on the potential impact of this missense change (SIFT: "Tolerated"; PolyPhen-2: "Possibly Damaging"; Align-GVGD: "Class C0"). This variant has not been reported in the literature in individuals with OPHN1-related conditions. This variant is present in population databases (rs770608210, ExAC 0.01%). This sequence change replaces methionine with threonine at codon 380 of the OPHN1 protein (p.Met380Thr). The methionine residue is moderately conserved and there is a moderate physicochemical difference between methionine and threonine.